The following is an entry in ClinVar:

NM_001164508.2(NEB):c.11666del (p.Glu3889fs)

Gene: NEB (nebulin; minus strand). Cytogenetic location: 2q23.3.
Variant type: Deletion.
Coding change: c.11666del on transcript NM_001164508.2 (MANE Select); coding-DNA position 11666, one base deleted (A; older notation c.11666delA).
Protein change: p.Glu3889fs; shifts the reading frame from glutamic acid 3889.
Molecular consequence: frameshift variant.
Genome position (GRCh38, 1-based): chr2:151,612,325, T deleted on the plus strand (A on the coding strand, the reverse complement: NEB is on the minus strand). VCF-style (leftmost placement, unchanged base first): chr2-151612324-CT-C. GRCh37 (hg19) VCF-style: chr2-152468838-CT-C.
Other names: c.11666del, p.Glu3889fs (NM_001164507.2, NM_001271208.2); c.10937del, p.Glu3646fs (NM_004543.5); short protein forms E3889fs, E3646fs.
Identifiers: ClinVar variation 2750047 (VCV002750047.3), dbSNP rs2552229054, ClinGen allele CA2697551088.
Genomic context (GRCh38, chr2:151,612,324, plus strand): 5'-TGCAGGCTGGCGATACTTCCTGTCACTCAGGATTTCTCCAGCTCTCTTCACTTTCTCGAC[CT>C]CTACAGAGCCAATGGGAACCCATCCTATGCCTCTCAGCCACTCAAGATCAGATTTGTAAA-3'

ClinVar aggregate classification (germline): Pathogenic (1 of 4 stars; one submission).

Conditions:
Nemaline myopathy 2 (NEM2). Also called: Nemaline myopathy 2, autosomal recessive. Identifiers: MedGen C1850569, MONDO:0009725, OMIM 256030.

Submission:

Labcorp Genetics (formerly Invitae), Labcorp
Classification: Pathogenic for Nemaline myopathy 2. Last evaluated: 2023-08-04. Review status: criteria provided, single submitter. Criteria: Invitae Variant Classification Sherloc (09022015). Collection method: clinical testing. Allele origin: germline.
Comment: This variant has not been reported in the literature in individuals affected with NEB-related conditions. For these reasons, this variant has been classified as Pathogenic. Algorithms developed to predict the effect of sequence changes on RNA splicing suggest that this variant may create or strengthen a splice site. This variant is not present in population databases (gnomAD no frequency). This sequence change creates a premature translational stop signal (p.Glu3889Glyfs*5) in the NEB gene. It is expected to result in an absent or disrupted protein product. Loss-of-function variants in NEB are known to be pathogenic (PMID: 25205138).

Literature cited by the submitters: PubMed 25205138.